The following is an entry in ClinVar:

NM_018418.5(SPATA7):c.770G>C (p.Arg257Pro)

Gene: SPATA7 (spermatogenesis associated 7; plus strand). Cytogenetic location: 14q31.3.
Variant type: single nucleotide variant.
Coding change: c.770G>C on transcript NM_018418.5 (MANE Select); coding-DNA position 770, G replaced by C.
Protein change: p.Arg257Pro; replaces arginine 257 with proline.
Molecular consequence: missense variant.
Genome position (GRCh38, 1-based): chr14:88,426,629, G>C. VCF-style: chr14-88426629-G-C. GRCh37 (hg19) VCF-style: chr14-88892973-G-C.
Other names: c.674G>C, p.Arg225Pro (NM_001040428.4); short protein forms R225P, R257P.
Identifiers: ClinVar variation 1472490 (VCV001472490.8), dbSNP rs533185075, ClinGen allele CA390564577.
Genomic context (GRCh38, chr14:88,426,629, plus strand): 5'-AATTGCCATTCACTCCTCGCACTTTAAAAACAGAAGCAAAATCTTTCCTGTCACAGTATC[G>C]CTATTATACACCTGCCAAAAGAAAAAAGGATTTTACAGATCAACGGATAGAAGCTGAAAC-3'
Protein context (NP_060888.2, residues 247-267): TEAKSFLSQY[Arg257Pro]YYTPAKRKKD

ClinVar aggregate classification (germline): Uncertain significance (1 of 4 stars; one submission).

Conditions:
Leber congenital amaurosis 3 (LCA3). Also called: SPATA7-Related Retinitis Pigmentosa. Identifiers: MedGen C1858677, MONDO:0011415, OMIM 604232.

Submission:

Labcorp Genetics (formerly Invitae), Labcorp
Classification: Uncertain significance for Leber congenital amaurosis 3. Last evaluated: 2021-01-15. Review status: criteria provided, single submitter. Criteria: Invitae Variant Classification Sherloc (09022015). Collection method: clinical testing. Allele origin: germline.
Comment: In summary, the available evidence is currently insufficient to determine the role of this variant in disease. Therefore, it has been classified as a Variant of Uncertain Significance. Algorithms developed to predict the effect of missense changes on protein structure and function are either unavailable or do not agree on the potential impact of this missense change (SIFT: "Deleterious"; PolyPhen-2: "Probably Damaging"; Align-GVGD: "Class C0"). This variant has not been reported in the literature in individuals with SPATA7-related conditions. This variant is not present in population databases (ExAC no frequency). This sequence change replaces arginine with proline at codon 257 of the SPATA7 protein (p.Arg257Pro). The arginine residue is highly conserved and there is a moderate physicochemical difference between arginine and proline.